The following is an entry in ClinVar:

ClinVar aggregate classification (germline): Likely benign (1 of 4 stars; one submission).

Allele frequency attached by ClinVar (database versions not stated): gnomAD 0.00653 and 0.00693; 1000 Genomes Project 30x 0.00781; TOPMed 0.00785; 1000 Genomes Project 0.00779.

Submission:

GeneDx
Classification: Likely benign. Last evaluated: 2018-06-16. Review status: criteria provided, single submitter. Criteria: GeneDx Variant Classification (06012015). Collection method: clinical testing. Allele origin: germline. Affected: yes.
Comment: This variant is considered likely benign or benign based on one or more of the following criteria: it is a conservative change, it occurs at a poorly conserved position in the protein, it is predicted to be benign by multiple in silico algorithms, and/or has population frequency not consistent with disease.

NM_153704.5(TMEM67):c.-297C>G

Gene: TMEM67 (transmembrane protein 67; plus strand). Cytogenetic location: 8q22.1.
Variant type: single nucleotide variant.
Coding change: c.-297C>G on transcript NM_153704.5; 297 bases upstream of the start codon, C replaced by G.
Genome position (GRCh38, 1-based): chr8:93,754,618, C>G. VCF-style: chr8-93754618-C-G. GRCh37 (hg19) VCF-style: chr8-94766846-C-G.
Identifiers: ClinVar variation 673868 (VCV000673868.3), dbSNP rs73694914, ClinGen allele CA181303651.
Genomic context (GRCh38, chr8:93,754,618, plus strand): 5'-AGTCATGTTTCCTTTAACGTGAAAATTACCTAGTCTGAATAAATTCTGATGTAACTATAA[C>G]TCGACAAATTATGATATTTTCAACTTACGATGGGTTTATTGCGGGGAGGGGGCAGCCCTA-3'